The following is an entry in ClinVar:

NC_000023.11:g.(?_32362768)_(32699313_?)del

Genes: DMD (dystrophin; minus strand), MIR3915 (microRNA 3915; minus strand), MIR548F5 (microRNA 548f-5; minus strand). Cytogenetic location: Xp21.1.
Variant type: Deletion.
Identifiers: ClinVar variation 583820 (VCV000583820.7).

ClinVar aggregate classification (germline): Pathogenic (1 of 4 stars; one submission).

Conditions:
Duchenne muscular dystrophy (DMD). Also called: MUSCULAR DYSTROPHY, PSEUDOHYPERTROPHIC PROGRESSIVE, DUCHENNE TYPE; Duchenne Muscular Dystrophy (DMD). Identifiers: Orphanet 98896, MedGen C0013264, MONDO:0010679, OMIM 310200.

Submission:

Labcorp Genetics (formerly Invitae), Labcorp
Classification: Pathogenic for Duchenne muscular dystrophy. Last evaluated: 2021-08-12. Review status: criteria provided, single submitter. Criteria: Invitae Variant Classification Sherloc (09022015). Collection method: clinical testing. Allele origin: germline.
Comment: This variant is a gross deletion of the genomic region encompassing exon(s) 8-37 of the DMD gene. This deletion is out-of-frame, and is expected to create a premature termination codon and result in an absent or disrupted protein product. Loss-of-function variants in DMD are known to be pathogenic (PMID: 16770791, 25007885). A similar copy number variant has been observed in individual(s) with DMD-related dystrophinopathy (PMID: 21515508). For these reasons, this variant has been classified as Pathogenic.

Literature cited by the submitters: PubMed 16770791; PubMed 25007885; PubMed 21515508.